The following is an entry in ClinVar:

NM_004369.4(COL6A3):c.8780T>C (p.Met2927Thr)

Gene: COL6A3 (collagen type VI alpha 3 chain; minus strand). Cytogenetic location: 2q37.3.
Variant type: single nucleotide variant.
Coding change: c.8780T>C on transcript NM_004369.4 (MANE Select); coding-DNA position 8780, T replaced by C.
Protein change: p.Met2927Thr; replaces methionine 2927 with threonine.
Molecular consequence: missense variant.
Genome position (GRCh38, 1-based): chr2:237,336,320, A>G on the plus strand (T>C on the coding strand, the complement: COL6A3 is on the minus strand). VCF-style: chr2-237336320-A-G. GRCh37 (hg19) VCF-style: chr2-238244963-A-G.
Other names: c.6959T>C, p.Met2320Thr (NM_057166.5); c.8162T>C, p.Met2721Thr (NM_057167.4); short protein forms M2320T, M2721T.
Identifiers: ClinVar variation 95008 (VCV000095008.32), dbSNP rs6728818, ClinGen allele CA148069.

ClinVar aggregate classification (germline): Benign. Review status: criteria provided, multiple submitters, no conflicts (2 of 4 stars). 17 submissions from 15 submitters: Benign (13). 4 of the submissions do not count toward it. Last evaluated 2026-02-04.

Conditions:
Dystonia 27 (DYT27). Identifiers: Orphanet 464440, MedGen C4225336, MONDO:0014627, OMIM 616411.
Ullrich congenital muscular dystrophy 1A. Also called: Intermediate COL6-RD; Ullrich congenital muscular dystrophy 1. Identifiers: Orphanet 75840, MedGen C0410179, MONDO:0009681, OMIM 254090.
Collagen 6-related myopathy. Identifiers: MedGen CN117976, MONDO:0100225.
Bethlem myopathy 1A. Also called: MYOPATHY, BENIGN CONGENITAL, WITH CONTRACTURES; Bethlem myopathy 1; Bethlem Muscular Dystrophy. Identifiers: Orphanet 610, MedGen CN029274, MONDO:0024530, OMIM 158810.

Allele frequency attached by ClinVar (database versions not stated): 1000 Genomes Project 0.63658; 1000 Genomes Project 30x 0.64101; TOPMed 0.67493; gnomAD 0.68552 and 0.67753; gnomAD exomes 0.63613 and 0.63107; ExAC 0.63862; ESP Exome Variant Server 0.69655.
gnomAD v4.1: 1,033,628 of 1,613,978 alleles (64%); highest among the groups gnomAD compares: African/African-American, 78%; 333,844 homozygotes.

Submissions (17):

Labcorp Genetics (formerly Invitae), Labcorp
Classification: Benign for Bethlem myopathy 1A. Last evaluated: 2026-02-04. Review status: criteria provided, single submitter. Criteria: Invitae Variant Classification Sherloc (09022015). Collection method: clinical testing. Allele origin: germline.

Blueprint Genetics
Classification: Benign. Last evaluated: 2024-11-26. Review status: criteria provided, single submitter. Criteria: ACMG Guidelines, 2015. Collection method: clinical testing. Allele origin: germline.

Unidad de Genómica Garrahan, Hospital de Pediatría Garrahan
Classification: Benign. Last evaluated: 2024-07-31. Review status: criteria provided, single submitter. Criteria: ACMG Guidelines, 2015. Collection method: clinical testing. Allele origin: germline. Affected: no. Observed: 74 variant alleles.
Comment: This variant is classified as Benign based on local population frequency. This variant was detected in 80% of patients studied in a panel designed for Epileptic and Developmental Encephalopathy, Progressive Myoclonus Epilepsy and Abnormal Movements and Neurodegeneration with brain iron accumulation. Number of patients: 74. Only high quality variants are reported.

Genome-Nilou Lab
Classification: Benign for Bethlem myopathy 1A. Last evaluated: 2021-07-30. Review status: criteria provided, single submitter. Criteria: ACMG Guidelines, 2015. Collection method: clinical testing. Allele origin: germline. Affected: no.

Genome-Nilou Lab
Classification: Benign for Dystonia 27. Last evaluated: 2021-07-30. Review status: criteria provided, single submitter. Criteria: ACMG Guidelines, 2015. Collection method: clinical testing. Allele origin: germline. Affected: no.

Genome-Nilou Lab
Classification: Benign for Ullrich congenital muscular dystrophy 1A. Last evaluated: 2021-07-30. Review status: criteria provided, single submitter. Criteria: ACMG Guidelines, 2015. Collection method: clinical testing. Allele origin: germline. Affected: no.

Illumina Laboratory Services, Illumina
Classification: Benign for Collagen VI-related myopathy. Last evaluated: 2018-01-12. Review status: criteria provided, single submitter. Criteria: ICSL Variant Classification Criteria 13 December 2019. Collection method: clinical testing. Allele origin: germline.
Comment: This variant was observed in the ICSL laboratory as part of a predisposition screen in an ostensibly healthy population. It had not been previously curated by ICSL or reported in the Human Gene Mutation Database (HGMD: prior to June 1st, 2018), and was therefore a candidate for classification through an automated scoring system. Utilizing variant allele frequency, disease prevalence and penetrance estimates, and inheritance mode, an automated score was calculated to assess if this variant is too frequent to cause the disease. Based on the score and internal cut-off values, a variant classified as benign is not then subjected to further curation. The score for this variant resulted in a classification of benign for this disease.

Mayo Clinic Laboratories, Mayo Clinic
Classification: Benign. Last evaluated: 2017-07-12. Review status: criteria provided, single submitter. Criteria: ACMG Guidelines, 2015. Collection method: clinical testing. Allele origin: germline. Observed: 660 variant alleles.

Eurofins Ntd Llc (ga)
Classification: Benign. Last evaluated: 2016-01-05. Review status: criteria provided, single submitter. Criteria: EGL Classification Definitions 2015. Collection method: clinical testing. Allele origin: germline. Observed: 89 variant alleles, 47 heterozygotes, 42 homozygotes.

GeneDx
Classification: Benign. Last evaluated: 2016-01-04. Review status: criteria provided, single submitter. Criteria: GeneDx Variant Classification (06012015). Collection method: clinical testing. Allele origin: germline. Affected: yes.
Comment: This variant is considered likely benign or benign based on one or more of the following criteria: it is a conservative change, it occurs at a poorly conserved position in the protein, it is predicted to be benign by multiple in silico algorithms, and/or has population frequency not consistent with disease.

Genetic Services Laboratory, University of Chicago
Classification: Benign for AllHighlyPenetrant. Last evaluated: 2013-08-15. Review status: criteria provided, single submitter. Criteria: ACMG Guidelines, 2007. Collection method: clinical testing. Allele origin: germline.

Breakthrough Genomics
Classification: Benign. Review status: criteria provided, single submitter. Criteria: ACMG Guidelines, 2015. Collection method: not provided. Allele origin: germline. Inheritance: Autosomal recessive inheritance. Affected: yes.

PreventionGenetics, part of Exact Sciences
Classification: Benign. Review status: criteria provided, single submitter. Criteria: ACMG Guidelines, 2015. Collection method: clinical testing. Allele origin: germline.

Clinical Genetics, Academic Medical Center
Classification: Benign. Review status: no assertion criteria provided. Collection method: clinical testing. Allele origin: germline. Affected: yes. Study: VKGL Data-share Consensus. Not counted in ClinVar's aggregate classification.

Diagnostic Laboratory, Department of Genetics, University Medical Center Groningen
Classification: Benign. Review status: no assertion criteria provided. Collection method: clinical testing. Allele origin: germline. Affected: yes. Study: VKGL Data-share Consensus. Not counted in ClinVar's aggregate classification.

Genome Diagnostics Laboratory, University Medical Center Utrecht
Classification: Benign. Review status: no assertion criteria provided. Collection method: clinical testing. Allele origin: germline. Affected: yes. Study: VKGL Data-share Consensus. Not counted in ClinVar's aggregate classification.

Joint Genome Diagnostic Labs from Nijmegen and Maastricht, Radboudumc and MUMC+
Classification: Benign. Review status: no assertion criteria provided. Collection method: clinical testing. Allele origin: germline. Affected: yes. Study: VKGL Data-share Consensus. Not counted in ClinVar's aggregate classification.